The following is an entry in ClinVar:

ClinVar aggregate classification (germline): Uncertain significance (1 of 4 stars; one submission).

Conditions:
Marfan syndrome (MFS). Also called: FBN1-Related Marfan Syndrome; MARFAN SYNDROME, TYPE I; Marfan syndrome type 1; Marfan's syndrome; Marfan syndrome, classic. Identifiers: Orphanet 284963, Orphanet 558, MedGen C0024796, MONDO:0007947, OMIM 154700.
Familial thoracic aortic aneurysm and aortic dissection (TAAD). Also called: Thoracic aortic aneurysms and dissections. Identifiers: Orphanet 91387, MedGen C4707243, MONDO:0019625.

Submission:

Labcorp Genetics (formerly Invitae), Labcorp
Classification: Uncertain significance for Marfan syndrome; Familial thoracic aortic aneurysm and aortic dissection. Last evaluated: 2025-04-23. Review status: criteria provided, single submitter. Criteria: Invitae Variant Classification Sherloc (09022015). Collection method: clinical testing. Allele origin: germline.
Comment: This sequence change replaces serine, which is neutral and polar, with phenylalanine, which is neutral and non-polar, at codon 878 of the FBN1 protein (p.Ser878Phe). This variant is not present in population databases (gnomAD no frequency). This variant has not been reported in the literature in individuals affected with FBN1-related conditions. Invitae Evidence Modeling of protein sequence and biophysical properties (such as structural, functional, and spatial information, amino acid conservation, physicochemical variation, residue mobility, and thermodynamic stability) indicates that this missense variant is expected to disrupt FBN1 protein function with a positive predictive value of 95%. In summary, the available evidence is currently insufficient to determine the role of this variant in disease. Therefore, it has been classified as a Variant of Uncertain Significance.

NM_000138.5(FBN1):c.2633C>T (p.Ser878Phe)

Gene: FBN1 (fibrillin 1; minus strand). Cytogenetic location: 15q21.1.
Variant type: single nucleotide variant.
Coding change: c.2633C>T on transcript NM_000138.5 (MANE Select); coding-DNA position 2633, C replaced by T.
Protein change: p.Ser878Phe; replaces serine 878 with phenylalanine.
Molecular consequence: missense variant.
Genome position (GRCh38, 1-based): chr15:48,495,167, G>A on the plus strand (C>T on the coding strand, the complement: FBN1 is on the minus strand). VCF-style: chr15-48495167-G-A. GRCh37 (hg19) VCF-style: chr15-48787364-G-A.
Other names: c.2633C>T, p.Ser878Phe (NM_001406716.1); short protein forms S878F.
Identifiers: ClinVar variation 4793103 (VCV004793103.1).
Genomic context (GRCh38, chr15:48,495,167, plus strand): 5'-CATGGGTTTCTCTTACCAACTTGGCATAGGGTGCACGGGCTTCCCCACGCAGCACCGAGG[G>A]AGGAGCAGCACTGGGACTTTAAGGTGGCTCCATTGATGTTGATCTCACATCGCCCATCAA-3'
Protein context (NP_000129.3, residues 868-888): GATLKSQCCS[Ser878Phe]LGAAWGSPCT